The following is an entry in ClinVar:

NM_007194.4(CHEK2):c.1543-20C>G

Gene: CHEK2 (checkpoint kinase 2; minus strand). Cytogenetic location: 22q12.1.
Variant type: single nucleotide variant.
Coding change: c.1543-20C>G on transcript NM_007194.4 (MANE Select); 20 bases into the intron before coding-DNA position 1543, C replaced by G.
Molecular consequence: intron variant.
Genome position (GRCh38, 1-based): chr22:28,688,006, G>C on the plus strand (C>G on the coding strand, the complement: CHEK2 is on the minus strand). VCF-style: chr22-28688006-G-C. GRCh37 (hg19) VCF-style: chr22-29083994-G-C.
Other names: c.880-20C>G (NM_001437942.1, NM_001257387.3); c.1342-20C>G (NM_001349956.3); c.1456-20C>G (NM_145862.3); c.1549-20C>G (NM_001438295.1); c.1636-20C>G (NM_001438293.1); c.1585-20C>G (NM_001438294.1); c.1672-20C>G (NM_001005735.3).
Identifiers: ClinVar variation 383577 (VCV000383577.15), dbSNP rs551645416, ClinGen allele CA10167614.

ClinVar aggregate classification (germline): Likely benign. Review status: criteria provided, multiple submitters, no conflicts (2 of 4 stars). 5 submissions from 5 submitters: Likely benign (5). Last evaluated 2026-01-01.

Conditions:
Hereditary cancer-predisposing syndrome. Also called: Tumor predisposition; Neoplastic Syndromes, Hereditary; Hereditary neoplastic syndrome; Hereditary Cancer Syndrome. Identifiers: Orphanet 140162, MedGen C0027672, MeSH D009386, MONDO:0015356.
Familial cancer of breast. Also called: BREAST CANCER, FAMILIAL; Hereditary breast cancer; hereditary breast carcinoma. Identifiers: Orphanet 227535, MedGen C0346153, MONDO:0016419, OMIM 114480. Disease mechanism: loss of function.

Allele frequency attached by ClinVar (database versions not stated): gnomAD exomes below 0.00001 and 0.00001; ExAC 0.00002; TOPMed 0.00003; gnomAD 0.00004; 1000 Genomes Project 30x 0.00016; 1000 Genomes Project 0.00020.
gnomAD v4.1: 15 of 1,566,492 alleles (0.00096%); highest among the groups gnomAD compares: African/African-American, 0.012%; no homozygotes.

Submissions (5):

Labcorp Genetics (formerly Invitae), Labcorp
Classification: Likely benign for Familial cancer of breast. Last evaluated: 2026-01-01. Review status: criteria provided, single submitter. Criteria: Invitae Variant Classification Sherloc (09022015). Collection method: clinical testing. Allele origin: germline.

Blueprint Genetics
Classification: Likely benign. Last evaluated: 2022-07-14. Review status: criteria provided, single submitter. Criteria: ACMG Guidelines, 2015. Collection method: clinical testing. Allele origin: germline.

Color Diagnostics, LLC DBA Color Health
Classification: Likely benign for Hereditary cancer-predisposing syndrome. Last evaluated: 2018-12-05. Review status: criteria provided, single submitter. Criteria: ACMG Guidelines, 2015. Collection method: clinical testing. Allele origin: germline.

GeneDx
Classification: Likely benign. Last evaluated: 2017-09-06. Review status: criteria provided, single submitter. Criteria: GeneDx Variant Classification (06012015). Collection method: clinical testing. Allele origin: germline. Affected: yes.
Comment: This variant is considered likely benign or benign based on one or more of the following criteria: it is a conservative change, it occurs at a poorly conserved position in the protein, it is predicted to be benign by multiple in silico algorithms, and/or has population frequency not consistent with disease.

Ambry Genetics
Classification: Likely benign for Hereditary cancer-predisposing syndrome. Last evaluated: 2015-12-16. Review status: criteria provided, single submitter. Criteria: Ambry Variant Classification Scheme 2023. Collection method: clinical testing. Allele origin: germline.